The following is an entry in ClinVar:

ClinVar aggregate classification (germline): Uncertain significance (1 of 4 stars; one submission).

Submission:

Labcorp Genetics (formerly Invitae), Labcorp
Classification: Uncertain significance. Last evaluated: 2024-02-17. Review status: criteria provided, single submitter. Criteria: Invitae Variant Classification Sherloc (09022015). Collection method: clinical testing. Allele origin: germline.
Comment: This sequence change replaces lysine, which is basic and polar, with asparagine, which is neutral and polar, at codon 207 of the C9 protein (p.Lys207Asn). This variant is not present in population databases (gnomAD no frequency). This variant has not been reported in the literature in individuals affected with C9-related conditions. ClinVar contains an entry for this variant (Variation ID: 1505065). Advanced modeling of protein sequence and biophysical properties (such as structural, functional, and spatial information, amino acid conservation, physicochemical variation, residue mobility, and thermodynamic stability) has been performed at Invitae for this missense variant, however the output from this modeling did not meet the statistical confidence thresholds required to predict the impact of this variant on C9 protein function. In summary, the available evidence is currently insufficient to determine the role of this variant in disease. Therefore, it has been classified as a Variant of Uncertain Significance.

NM_001737.5(C9):c.621A>C (p.Lys207Asn)

Gene: C9 (complement C9; minus strand). Cytogenetic location: 5p13.1.
Variant type: single nucleotide variant.
Coding change: c.621A>C on transcript NM_001737.5 (MANE Select); coding-DNA position 621, A replaced by C.
Protein change: p.Lys207Asn; replaces lysine 207 with asparagine.
Molecular consequence: missense variant.
Genome position (GRCh38, 1-based): chr5:39,316,024, T>G on the plus strand (A>C on the coding strand, the complement: C9 is on the minus strand). VCF-style: chr5-39316024-T-G. GRCh37 (hg19) VCF-style: chr5-39316126-T-G.
Other names: short protein forms K207N.
Identifiers: ClinVar variation 1505065 (VCV001505065.6), dbSNP rs2111897811, ClinGen allele CA359559474.